The following is an entry in ClinVar:

NM_001173990.3(TMEM216):c.250C>T (p.Gln84Ter)

Gene: TMEM216 (transmembrane protein 216; plus strand). Cytogenetic location: 11q12.2.
Variant type: single nucleotide variant.
Coding change: c.250C>T on transcript NM_001173990.3 (MANE Select); coding-DNA position 250, C replaced by T.
Protein change: p.Gln84Ter; replaces glutamine 84 with a stop codon.
Molecular consequence: nonsense.
Genome position (GRCh38, 1-based): chr11:61,397,794, C>T. VCF-style: chr11-61397794-C-T. GRCh37 (hg19) VCF-style: chr11-61165266-C-T.
Other names: c.250C>T, p.Gln84Ter (NM_001173991.3); c.67C>T, p.Gln23Ter (NM_001330285.2, NM_016499.6); short protein forms Q23*, Q84*.
Identifiers: ClinVar variation 1970889 (VCV001970889.5), dbSNP rs1362597973, ClinGen allele CA380685869.

ClinVar aggregate classification (germline): Pathogenic (1 of 4 stars; one submission).

Conditions:
Joubert syndrome. Also called: CEREBELLOPARENCHYMAL DISORDER IV; JOUBERT-BOLTSHAUSER SYNDROME; Familial aplasia of the vermis. Identifiers: Orphanet 475, MedGen C5979921, MONDO:0018772.

Allele frequency attached by ClinVar (database versions not stated): gnomAD exomes below 0.00001.
gnomAD v4.1: 1 of 1,613,468 alleles (0.000062%); highest among the groups gnomAD compares: Non-Finnish European, 0.000085%; no homozygotes.

Submission:

Labcorp Genetics (formerly Invitae), Labcorp
Classification: Pathogenic for Joubert syndrome. Last evaluated: 2022-08-09. Review status: criteria provided, single submitter. Criteria: Invitae Variant Classification Sherloc (09022015). Collection method: clinical testing. Allele origin: germline.
Comment: For these reasons, this variant has been classified as Pathogenic. This variant has not been reported in the literature in individuals affected with TMEM216-related conditions. This variant is present in population databases (no rsID available, gnomAD 0.0009%). This sequence change creates a premature translational stop signal (p.Gln84*) in the TMEM216 gene. It is expected to result in an absent or disrupted protein product. Loss-of-function variants in TMEM216 are known to be pathogenic (PMID: 20512146).

Literature cited by the submitters: PubMed 20512146.